The following is an entry in ClinVar:

ClinVar aggregate classification (germline): Uncertain significance (1 of 4 stars; one submission).

Conditions:
Microcephaly 26, primary, autosomal dominant. Identifiers: MedGen C5543048, MONDO:0030928, OMIM 619179.

gnomAD v4.1: 9 of 1,613,960 alleles (0.00056%); highest among the groups gnomAD compares: South Asian, 0.0011%; no homozygotes.

Submission:

Juno Genomics, Hangzhou Juno Genomics, Inc
Classification: Uncertain significance for Microcephaly 26, primary, autosomal dominant. Review status: criteria provided, single submitter. Criteria: ACMG Guidelines, 2015. Collection method: clinical testing. Allele origin: germline.
Comment: Absent from controls (or at extremely low frequency if recessive) in Genome Aggregation Database.;Multiple lines of computational evidence support a deleterious effect on the gene or gene product.

NM_005573.4(LMNB1):c.1528C>G (p.Pro510Ala)

Gene: LMNB1 (lamin B1; plus strand). Cytogenetic location: 5q23.2.
Variant type: single nucleotide variant.
Coding change: c.1528C>G on transcript NM_005573.4 (MANE Select); coding-DNA position 1528, C replaced by G.
Protein change: p.Pro510Ala; replaces proline 510 with alanine.
Molecular consequence: missense variant. On other transcripts: non-coding transcript variant (2).
Genome position (GRCh38, 1-based): chr5:126,826,024, C>G. VCF-style: chr5-126826024-C-G. GRCh37 (hg19) VCF-style: chr5-126161716-C-G.
Other names: c.898C>G, p.Pro300Ala (NM_001198557.2); short protein forms P510A, P300A.
Identifiers: ClinVar variation 5006825 (VCV005006825.2).